The following is an entry in ClinVar:

ClinVar aggregate classification (germline): Pathogenic (1 of 4 stars; one submission).

Conditions:
Familial hemophagocytic lymphohistiocytosis 3 (FHL3). Also called: UNC13D-Related Familial Hemophagocytic Lymphohistiocytosis (UNC13D-fHLH). Identifiers: Orphanet 540, MedGen C1837174, MONDO:0012146, OMIM 608898.

Allele frequency attached by ClinVar (database versions not stated): gnomAD exomes below 0.00001; TOPMed below 0.00001.

Submission:

Labcorp Genetics (formerly Invitae), Labcorp
Classification: Pathogenic for Familial hemophagocytic lymphohistiocytosis 3. Last evaluated: 2023-04-12. Review status: criteria provided, single submitter. Criteria: Invitae Variant Classification Sherloc (09022015). Collection method: clinical testing. Allele origin: germline.
Comment: For these reasons, this variant has been classified as Pathogenic. This variant has not been reported in the literature in individuals affected with UNC13D-related conditions. This variant is present in population databases (no rsID available, gnomAD 0.001%). This sequence change creates a premature translational stop signal (p.Ser933Argfs*20) in the UNC13D gene. It is expected to result in an absent or disrupted protein product. Loss-of-function variants in UNC13D are known to be pathogenic (PMID: 14622600).

Literature cited by the submitters: PubMed 14622600.

NM_199242.3(UNC13D):c.2799del (p.Ser933fs)

Genes: UNC13D (unc-13 homolog D; minus strand), LOC112533672 (Sharpr-MPRA regulatory region 1193; plus strand). Cytogenetic location: 17q25.1.
Variant type: Deletion.
Coding change: c.2799del on transcript NM_199242.3 (MANE Select); coding-DNA position 2799, one base deleted (C; older notation c.2799delC).
Protein change: p.Ser933fs; shifts the reading frame from serine 933.
Molecular consequence: frameshift variant.
Genome position (GRCh38, 1-based): chr17:75,830,393, G deleted on the plus strand (C on the coding strand, the reverse complement: UNC13D is on the minus strand). VCF-style (leftmost placement, unchanged base first): chr17-75830392-CG-C. GRCh37 (hg19) VCF-style: chr17-73826473-CG-C.
Other names: short protein forms S933fs.
Identifiers: ClinVar variation 2875635 (VCV002875635.3), dbSNP rs1567816724, ClinGen allele CA627596845.